The following is an entry in ClinVar:

ClinVar aggregate classification (germline): Likely pathogenic. Review status: criteria provided, multiple submitters, no conflicts (2 of 4 stars). 2 submissions from 2 submitters: Likely pathogenic (2). Last evaluated 2023-03-02.

Conditions:
Gnathodiaphyseal dysplasia (GDD). Also called: GNATHODIAPHYSEAL SCLEROSIS; OSTEOGENESIS IMPERFECTA WITH UNUSUAL SKELETAL LESIONS. Identifiers: Orphanet 53697, MedGen C1833736, MONDO:0008151, OMIM 166260.
Autosomal recessive limb-girdle muscular dystrophy type 2L (LGMDR12). Also called: MUSCULAR DYSTROPHY, LIMB-GIRDLE, AUTOSOMAL RECESSIVE 12; Limb-girdle muscular dystrophy, type 2L; Limb-Girdle Muscular Dystrophy R12 Anoctamin-5-Related (LGMD-R12). Identifiers: Orphanet 206549, MedGen C1969785, MONDO:0012652, OMIM 611307.

Allele frequency attached by ClinVar (database versions not stated): gnomAD exomes below 0.00001; ExAC 0.00001.
gnomAD v4.1: 2 of 1,601,914 alleles (0.00012%); highest among the groups gnomAD compares: South Asian, 0.0022%; no homozygotes.

Submissions (2):

Revvity Omics, Revvity
Classification: Likely pathogenic. Last evaluated: 2023-03-02. Review status: criteria provided, single submitter. Criteria: ACMG Guidelines, 2015. Collection method: clinical testing. Allele origin: germline.

Labcorp Genetics (formerly Invitae), Labcorp
Classification: Likely pathogenic for Autosomal recessive limb-girdle muscular dystrophy type 2L; Gnathodiaphyseal dysplasia. Last evaluated: 2022-07-14. Review status: criteria provided, single submitter. Criteria: Invitae Variant Classification Sherloc (09022015). Collection method: clinical testing. Allele origin: germline.
Comment: In summary, the currently available evidence indicates that the variant is pathogenic, but additional data are needed to prove that conclusively. Therefore, this variant has been classified as Likely Pathogenic. Algorithms developed to predict the effect of sequence changes on RNA splicing suggest that this variant may disrupt the consensus splice site. This variant has not been reported in the literature in individuals affected with ANO5-related conditions. This variant is present in population databases (rs758847803, gnomAD 0.003%). This sequence change affects an acceptor splice site in intron 5 of the ANO5 gene. It is expected to disrupt RNA splicing. Variants that disrupt the donor or acceptor splice site typically lead to a loss of protein function (PMID: 16199547), and loss-of-function variants in ANO5 are known to be pathogenic (PMID: 21186264, 23606453, 25891276, 30919934).

Literature cited by the submitters: PubMed 16199547 (cited by Labcorp Genetics (formerly Invitae), Labcorp); PubMed 21186264 (cited by Labcorp Genetics (formerly Invitae), Labcorp); PubMed 23606453 (cited by Labcorp Genetics (formerly Invitae), Labcorp); PubMed 25891276 (cited by Labcorp Genetics (formerly Invitae), Labcorp); PubMed 30919934 (cited by Labcorp Genetics (formerly Invitae), Labcorp).

NM_213599.3(ANO5):c.295-2A>G

Gene: ANO5 (anoctamin 5; plus strand). Cytogenetic location: 11p14.3.
Variant type: single nucleotide variant.
Coding change: c.295-2A>G on transcript NM_213599.3 (MANE Select); the canonical splice acceptor site of the intron before coding-DNA position 295, A replaced by G.
Molecular consequence: splice acceptor variant.
Genome position (GRCh38, 1-based): chr11:22,225,982, A>G. VCF-style: chr11-22225982-A-G. GRCh37 (hg19) VCF-style: chr11-22247528-A-G.
Other names: c.253-2A>G (NM_001410963.1); c.292-2A>G (NM_001142649.2); c.250-2A>G (NM_001410964.1); c.295-2A>G (NM_213599.2).
Identifiers: ClinVar variation 1999747 (VCV001999747.6), dbSNP rs758847803, ClinGen allele CA5922879.